The following is an entry in ClinVar:

NM_005886.3(KATNB1):c.1287G>A (p.Pro429=)

Gene: KATNB1 (katanin regulatory subunit B1; plus strand). Cytogenetic location: 16q21.
Variant type: single nucleotide variant.
Coding change: c.1287G>A on transcript NM_005886.3 (MANE Select); coding-DNA position 1287, G replaced by A.
Protein change: p.Pro429=; no amino-acid change (proline 429 retained).
Molecular consequence: synonymous variant.
Genome position (GRCh38, 1-based): chr16:57,754,988, G>A. VCF-style: chr16-57754988-G-A. GRCh37 (hg19) VCF-style: chr16-57788900-G-A.
Other names: c.1287G>A (NM_005886.2).
Identifiers: ClinVar variation 2185812 (VCV002185812.6), dbSNP rs569188115, ClinGen allele CA8081129.

ClinVar aggregate classification (germline): Likely benign. Review status: criteria provided, single submitter (1 of 4 stars). 2 submissions from 2 submitters: Likely benign (1). 1 of the submissions does not count toward it. Last evaluated 2024-04-03.

Conditions:
KATNB1-related disorder. Also called: KATNB1-related condition.

Allele frequency attached by ClinVar (database versions not stated): ExAC 0.00002; gnomAD 0.00004; TOPMed 0.00004; gnomAD exomes 0.00006; 1000 Genomes Project 30x 0.00016; 1000 Genomes Project 0.00020.
gnomAD v4.1: 90 of 1,614,044 alleles (0.0056%); highest among the groups gnomAD compares: Non-Finnish European, 0.0071%; no homozygotes.

Submissions (2):

Labcorp Genetics (formerly Invitae), Labcorp
Classification: Likely benign. Last evaluated: 2024-04-03. Review status: criteria provided, single submitter. Criteria: Invitae Variant Classification Sherloc (09022015). Collection method: clinical testing. Allele origin: germline.

PreventionGenetics, part of Exact Sciences
Classification: Likely benign for KATNB1-related condition. Last evaluated: 2019-09-05. Review status: no assertion criteria provided. Collection method: clinical testing. Allele origin: germline. Not counted in ClinVar's aggregate classification.
Comment: This variant is classified as likely benign based on ACMG/AMP sequence variant interpretation guidelines (Richards et al. 2015 PMID: 25741868, with internal and published modifications).